The following is an entry in ClinVar:

ClinVar aggregate classification (germline): Likely benign. Review status: criteria provided, multiple submitters, no conflicts (2 of 4 stars). 2 submissions from 2 submitters: Likely benign (2). Last evaluated 2025-08-11.

Conditions:
ADGRG1-related disorder. Also called: ADGRG1-related condition.

Allele frequency attached by ClinVar (database versions not stated): gnomAD exomes below 0.00001; TOPMed below 0.00001; ExAC 0.00001; gnomAD 0.00001.
gnomAD v4.1: 2 of 1,613,984 alleles (0.00012%); highest among the groups gnomAD compares: Admixed American, 0.0033%; no homozygotes.

Submissions (2):

PreventionGenetics, part of Exact Sciences
Classification: Likely benign for ADGRG1-related condition. Last evaluated: 2025-08-11. Review status: criteria provided, single submitter. Criteria: ACMG Guidelines, 2015. Collection method: clinical testing. Allele origin: germline.
Comment: This variant is classified as likely benign based on ACMG/AMP sequence variant interpretation guidelines (Richards et al. 2015 PMID: 25741868, with internal and published modifications).

Labcorp Genetics (formerly Invitae), Labcorp
Classification: Likely benign. Last evaluated: 2023-03-14. Review status: criteria provided, single submitter. Criteria: Invitae Variant Classification Sherloc (09022015). Collection method: clinical testing. Allele origin: germline.

NM_201525.4(ADGRG1):c.901-5T>C

Gene: ADGRG1 (adhesion G protein-coupled receptor G1; plus strand). Cytogenetic location: 16q21.
Variant type: single nucleotide variant.
Coding change: c.901-5T>C on transcript NM_201525.4 (MANE Select); 5 bases into the intron before coding-DNA position 901, T replaced by C.
Molecular consequence: intron variant.
Genome position (GRCh38, 1-based): chr16:57,655,871, T>C. VCF-style: chr16-57655871-T-C. GRCh37 (hg19) VCF-style: chr16-57689783-T-C.
Other names: c.901-5T>C (NM_005682.6, NM_001370440.1, NM_001370428.1 and 17 more transcripts); c.391-5T>C (NM_001290142.2); c.376-5T>C (NM_001370451.1, NM_001290143.2, NM_001370453.1 and 2 more transcripts); c.745-5T>C (NM_001370442.1); c.916-5T>C (NM_001370433.1, NM_001145773.3).
Identifiers: ClinVar variation 1097681 (VCV001097681.10), dbSNP rs768953875, ClinGen allele CA8078576.